The following is an entry in ClinVar:

ClinVar aggregate classification (germline): Uncertain significance (1 of 4 stars; one submission).

Conditions:
Bardet-Biedl syndrome (BBS). Identifiers: Orphanet 110, MedGen C0752166, MONDO:0015229.

Allele frequency attached by ClinVar (database versions not stated): gnomAD exomes below 0.00001.
gnomAD v4.1: 1 of 1,614,092 alleles (0.000062%); highest among the groups gnomAD compares: Non-Finnish European, 0.000085%; no homozygotes.

Submission:

Labcorp Genetics (formerly Invitae), Labcorp
Classification: Uncertain significance for Bardet-Biedl syndrome. Last evaluated: 2022-06-27. Review status: criteria provided, single submitter. Criteria: Invitae Variant Classification Sherloc (09022015). Collection method: clinical testing. Allele origin: germline.
Comment: This sequence change replaces alanine, which is neutral and non-polar, with threonine, which is neutral and polar, at codon 370 of the BBS2 protein (p.Ala370Thr). This variant is not present in population databases (gnomAD no frequency). This variant has not been reported in the literature in individuals affected with BBS2-related conditions. Algorithms developed to predict the effect of missense changes on protein structure and function output the following: SIFT: "Tolerated"; PolyPhen-2: "Benign"; Align-GVGD: "Class C0". The threonine amino acid residue is found in multiple mammalian species, which suggests that this missense change does not adversely affect protein function. In summary, the available evidence is currently insufficient to determine the role of this variant in disease. Therefore, it has been classified as a Variant of Uncertain Significance.

NM_031885.5(BBS2):c.1108G>A (p.Ala370Thr)

Gene: BBS2 (Bardet-Biedl syndrome 2; minus strand). Cytogenetic location: 16q13.
Variant type: single nucleotide variant.
Coding change: c.1108G>A on transcript NM_031885.5 (MANE Select); coding-DNA position 1108, G replaced by A.
Protein change: p.Ala370Thr; replaces alanine 370 with threonine.
Molecular consequence: missense variant. On other transcripts: non-coding transcript variant (5).
Genome position (GRCh38, 1-based): chr16:56,501,470, C>T on the plus strand (G>A on the coding strand, the complement: BBS2 is on the minus strand). VCF-style: chr16-56501470-C-T. GRCh37 (hg19) VCF-style: chr16-56535382-C-T.
Other names: c.1108G>A, p.Ala370Thr (NM_001377456.1); short protein forms A370T.
Identifiers: ClinVar variation 1419490 (VCV001419490.3), dbSNP rs1597015825, ClinGen allele CA395980156.